The following is an entry in ClinVar:

NM_012193.4(FZD4):c.-12C>A

Genes: FZD4 (frizzled class receptor 4; minus strand), LOC130006561 (ATAC-STARR-seq lymphoblastoid silent region 3828; plus strand). Cytogenetic location: 11q14.2.
Variant type: single nucleotide variant.
Coding change: c.-12C>A on transcript NM_012193.4 (MANE Select); 12 bases upstream of the start codon, C replaced by A.
Molecular consequence: 5 prime UTR variant.
Genome position (GRCh38, 1-based): chr11:86,955,097, G>T on the plus strand (C>A on the coding strand, the complement: FZD4 is on the minus strand). VCF-style: chr11-86955097-G-T. GRCh37 (hg19) VCF-style: chr11-86666139-G-T.
Identifiers: ClinVar variation 306410 (VCV000306410.5), dbSNP rs532417375, ClinGen allele CA6218556.

ClinVar aggregate classification (germline): Benign (1 of 4 stars; one submission).

Conditions:
Exudative vitreoretinopathy 1 (EVR1). Also called: CRISWICK-SCHEPENS SYNDROME; FEVR, AUTOSOMAL DOMINANT; Familial exudative vitreoretinopathy, autosomal dominant. Identifiers: Orphanet 891, Orphanet 90050, MedGen C1851402, MONDO:0007589, OMIM 133780.

Allele frequency attached by ClinVar (database versions not stated): gnomAD 0.00003 and 0.00052; TOPMed 0.00010; gnomAD exomes 0.00241; 1000 Genomes Project 0.00359; 1000 Genomes Project 30x 0.00359; ExAC 0.00396.
gnomAD v4.1: 1,268 of 1,486,708 alleles (0.085%); highest among the groups gnomAD compares: South Asian, 1.6%; 22 homozygotes.

Submission:

Illumina Laboratory Services, Illumina
Classification: Benign for Exudative vitreoretinopathy 1. Last evaluated: 2018-01-12. Review status: criteria provided, single submitter. Criteria: ICSL Variant Classification Criteria 13 December 2019. Collection method: clinical testing. Allele origin: germline.
Comment: This variant was observed in the ICSL laboratory as part of a predisposition screen in an ostensibly healthy population. It had not been previously curated by ICSL or reported in the Human Gene Mutation Database (HGMD: prior to June 1st, 2018), and was therefore a candidate for classification through an automated scoring system. Utilizing variant allele frequency, disease prevalence and penetrance estimates, and inheritance mode, an automated score was calculated to assess if this variant is too frequent to cause the disease. Based on the score and internal cut-off values, a variant classified as benign is not then subjected to further curation. The score for this variant resulted in a classification of benign for this disease.